The following is an entry in ClinVar:

ClinVar aggregate classification (germline): Pathogenic (1 of 4 stars; one submission).

Submission:

GeneDx
Classification: Pathogenic. Last evaluated: 2025-10-29. Review status: criteria provided, single submitter. Criteria: GeneDx Variant Classification Process June 2021. Collection method: clinical testing. Allele origin: germline.
Comment: Not observed at significant frequency in large population cohorts (gnomAD); In silico analysis supports that this missense variant has a deleterious effect on protein structure/function; Has not been previously published as pathogenic or benign to our knowledge

NM_006521.6(TFE3):c.349C>T (p.Arg117Trp)

Gene: TFE3 (transcription factor binding to IGHM enhancer 3; minus strand). Cytogenetic location: Xp11.23.
Variant type: single nucleotide variant.
Coding change: c.349C>T on transcript NM_006521.6 (MANE Select); coding-DNA position 349, C replaced by T.
Protein change: p.Arg117Trp; replaces arginine 117 with tryptophan.
Molecular consequence: missense variant.
Genome position (GRCh38, 1-based): chrX:49,039,292, G>A on the plus strand (C>T on the coding strand, the complement: TFE3 is on the minus strand). VCF-style: chrX-49039292-G-A. GRCh37 (hg19) VCF-style: chrX-48896817-G-A.
Other names: c.34C>T, p.Arg12Trp (NM_001282142.2); short protein forms R117W, R12W.
Identifiers: ClinVar variation 1702666 (VCV001702666.3), dbSNP rs909876976, ClinGen allele CA412913114.